The following is an entry in ClinVar:

ClinVar aggregate classification (germline): Uncertain significance (1 of 4 stars; one submission).

Conditions:
Aortic aneurysm, familial thoracic 6 (AAT6). Also called: FAMILIAL THORACIC AORTIC ANEURYSM WITH LIVEDO RETICULARIS AND IRIS FLOCCULI. Identifiers: MedGen C2673186, MONDO:0012730, OMIM 611788.

Submission:

Labcorp Genetics (formerly Invitae), Labcorp
Classification: Uncertain significance for Aortic aneurysm, familial thoracic 6. Last evaluated: 2025-11-06. Review status: criteria provided, single submitter. Criteria: Invitae Variant Classification Sherloc (09022015). Collection method: clinical testing. Allele origin: germline.
Comment: This sequence change replaces alanine, which is neutral and non-polar, with proline, which is neutral and non-polar, at codon 140 of the ACTA2 protein (p.Ala140Pro). This variant is not present in population databases (gnomAD no frequency). This variant has not been reported in the literature in individuals affected with ACTA2-related conditions. Invitae Evidence Modeling of protein sequence and biophysical properties (such as structural, functional, and spatial information, amino acid conservation, physicochemical variation, residue mobility, and thermodynamic stability) indicates that this missense variant is not expected to disrupt ACTA2 protein function with a negative predictive value of 80%. This variant disrupts the p.Ala140 amino acid residue in ACTA2. Other variant(s) that disrupt this residue have been determined to be pathogenic (PMID: 24793577, 29907982; internal data). This suggests that this residue is clinically significant, and that variants that disrupt this residue are likely to be disease-causing. In summary, the available evidence is currently insufficient to determine the role of this variant in disease. Therefore, it has been classified as a Variant of Uncertain Significance.

Literature cited by the submitters: PubMed 24793577; PubMed 29907982.

NM_001613.4(ACTA2):c.418G>C (p.Ala140Pro)

Gene: ACTA2 (actin alpha 2, smooth muscle; minus strand). Cytogenetic location: 10q23.31.
Variant type: single nucleotide variant.
Coding change: c.418G>C on transcript NM_001613.4 (MANE Select); coding-DNA position 418, G replaced by C.
Protein change: p.Ala140Pro; replaces alanine 140 with proline.
Molecular consequence: missense variant.
Genome position (GRCh38, 1-based): chr10:88,941,821, C>G on the plus strand (G>C on the coding strand, the complement: ACTA2 is on the minus strand). VCF-style: chr10-88941821-C-G. GRCh37 (hg19) VCF-style: chr10-90701578-C-G.
Other names: c.418G>C, p.Ala140Pro (NM_001141945.3, NM_001320855.2, NM_001406462.1 and 3 more transcripts); c.307G>C, p.Ala103Pro (NM_001406466.1); c.289G>C, p.Ala97Pro (NM_001406467.1, NM_001406468.1, NM_001406469.1); short protein forms A103P, A97P, A140P.
Identifiers: ClinVar variation 4743039 (VCV004743039.1).
Genomic context (GRCh38, chr10:88,941,821, plus strand): 5'-TTGCTGTCCCGCCCAGCCACCTACCAGTTGTGCGTCCAGAGGCATAGAGAGACAGCACCG[C>G]CTGGATAGCCACATACATGGCTGGGACATTGAAAGTCTCAAACATAATCTGCAAAGCAAT-3'
Protein context (NP_001604.1, residues 130-150): NVPAMYVAIQ[Ala140Pro]VLSLYASGRT